The following is an entry in ClinVar:

ClinVar aggregate classification (germline): Benign. Review status: criteria provided, multiple submitters, no conflicts (2 of 4 stars). 3 submissions from 3 submitters: Benign (2). 1 of the submissions does not count toward it. Last evaluated 2026-01-19.

Conditions:
IGSF10-related disorder. Also called: IGSF10-related condition.

Allele frequency attached by ClinVar (database versions not stated): TOPMed 0.03150; 1000 Genomes Project 30x 0.03264; 1000 Genomes Project 0.03015; ESP Exome Variant Server 0.03445.
gnomAD v4.1: 9,046 of 1,614,100 alleles (0.56%); highest among the groups gnomAD compares: African/African-American, 9.6%; 352 homozygotes.

Submissions (3):

Labcorp Genetics (formerly Invitae), Labcorp
Classification: Benign. Last evaluated: 2026-01-19. Review status: criteria provided, single submitter. Criteria: Invitae Variant Classification Sherloc (09022015). Collection method: clinical testing. Allele origin: germline.

Breakthrough Genomics
Classification: Benign. Review status: criteria provided, single submitter. Criteria: ACMG Guidelines, 2015. Collection method: not provided. Allele origin: germline. Inheritance: Unknown mechanism. Affected: yes.

PreventionGenetics, part of Exact Sciences
Classification: Benign for IGSF10-related condition. Last evaluated: 2019-03-11. Review status: no assertion criteria provided. Collection method: clinical testing. Allele origin: germline. Not counted in ClinVar's aggregate classification.
Comment: This variant is classified as benign based on ACMG/AMP sequence variant interpretation guidelines (Richards et al. 2015 PMID: 25741868, with internal and published modifications).

NM_178822.5(IGSF10):c.6336G>A (p.Ala2112=)

Gene: IGSF10 (immunoglobulin superfamily member 10; minus strand). Cytogenetic location: 3q25.1.
Variant type: single nucleotide variant.
Coding change: c.6336G>A on transcript NM_178822.5 (MANE Select); coding-DNA position 6336, G replaced by A.
Protein change: p.Ala2112=; no amino-acid change (alanine 2112 retained).
Molecular consequence: synonymous variant.
Genome position (GRCh38, 1-based): chr3:151,438,225, C>T on the plus strand (G>A on the coding strand, the complement: IGSF10 is on the minus strand). VCF-style: chr3-151438225-C-T. GRCh37 (hg19) VCF-style: chr3-151156013-C-T.
Other names: c.273G>A, p.Ala91= (NM_001178145.3, NM_001178146.3); c.6336G>A, p.Ala2112= (NM_001385060.1, NM_001385061.1, NM_001385062.1 and 1 more transcripts).
Identifiers: ClinVar variation 791957 (VCV000791957.12), dbSNP rs78115932, ClinGen allele CA2669537.
Genomic context (GRCh38, chr3:151,438,225, plus strand): 5'-GACCTTCATTTCATCTTTCCCTAGGGTGTTCTGGGCATAGCAAGTATAATCTCCTTCCTC[C>T]GCTACCCCAACTTTGTTGAAGTATAAAGTTCCATTGTTGAAAAGGGTATATCTCCTAGTC-3'
Protein context (NP_849144.2, residues 2102-2122): GTLYFNKVGV[Ala2112=]EEGDYTCYAQ